The following is an entry in ClinVar:

NM_181882.3(PRX):c.3258G>T (p.Lys1086Asn)

Gene: PRX (periaxin; minus strand). Cytogenetic location: 19q13.2.
Variant type: single nucleotide variant.
Coding change: c.3258G>T on transcript NM_181882.3 (MANE Select); coding-DNA position 3258, G replaced by T.
Protein change: p.Lys1086Asn; replaces lysine 1086 with asparagine.
Molecular consequence: missense variant. On other transcripts: 3 prime UTR variant (1).
Genome position (GRCh38, 1-based): chr19:40,395,094, C>A on the plus strand (G>T on the coding strand, the complement: PRX is on the minus strand). VCF-style: chr19-40395094-C-A. GRCh37 (hg19) VCF-style: chr19-40901001-C-A.
Other names: c.3543G>T, p.Lys1181Asn (NM_001411127.1); c.*3463G>T (NM_020956.2); short protein forms K1086N, K1181N.
Identifiers: ClinVar variation 1904632 (VCV001904632.5), dbSNP rs1041674775, ClinGen allele CA308417209.

ClinVar aggregate classification (germline): Uncertain significance (1 of 4 stars; one submission).

Conditions:
Charcot-Marie-Tooth disease type 4. Also called: Charcot-Marie-Tooth, Type 4; Charcot-Marie-Tooth disease, type IV. Identifiers: Orphanet 64749, MedGen C4082197, MONDO:0018995.

Allele frequency attached by ClinVar (database versions not stated): gnomAD exomes below 0.00001; gnomAD 0.00002.
gnomAD v4.1: 5 of 1,613,674 alleles (0.00031%); highest among the groups gnomAD compares: African/African-American, 0.0067%; no homozygotes.

Submission:

Labcorp Genetics (formerly Invitae), Labcorp
Classification: Uncertain significance for Charcot-Marie-Tooth disease type 4. Last evaluated: 2022-04-15. Review status: criteria provided, single submitter. Criteria: Invitae Variant Classification Sherloc (09022015). Collection method: clinical testing. Allele origin: germline.
Comment: In summary, the available evidence is currently insufficient to determine the role of this variant in disease. Therefore, it has been classified as a Variant of Uncertain Significance. Algorithms developed to predict the effect of missense changes on protein structure and function are either unavailable or do not agree on the potential impact of this missense change (SIFT: "Tolerated"; PolyPhen-2: "Possibly Damaging"; Align-GVGD: "Class C0"). This sequence change replaces lysine, which is basic and polar, with asparagine, which is neutral and polar, at codon 1086 of the PRX protein (p.Lys1086Asn). This variant has not been reported in the literature in individuals affected with PRX-related conditions. This variant is present in population databases (no rsID available, gnomAD 0.01%).